The following is an entry in ClinVar:

NM_002609.4(PDGFRB):c.1686C>T (p.Tyr562=)

Gene: PDGFRB (platelet derived growth factor receptor beta; minus strand). Cytogenetic location: 5q32.
Variant type: single nucleotide variant.
Coding change: c.1686C>T on transcript NM_002609.4 (MANE Select); coding-DNA position 1686, C replaced by T.
Protein change: p.Tyr562=; no amino-acid change (tyrosine 562 retained).
Molecular consequence: synonymous variant.
Genome position (GRCh38, 1-based): chr5:150,125,566, G>A on the plus strand (C>T on the coding strand, the complement: PDGFRB is on the minus strand). VCF-style: chr5-150125566-G-A. GRCh37 (hg19) VCF-style: chr5-149505129-G-A.
Other names: c.1494C>T, p.Tyr498= (NM_001355016.2); c.1203C>T, p.Tyr401= (NM_001355017.2).
Identifiers: ClinVar variation 739854 (VCV000739854.27), dbSNP rs570202484, ClinGen allele CA3507890.
Genomic context (GRCh38, chr5:150,125,566, plus strand): 5'-CACGTAGATGTACTCATGGCCGTCAGAGCTCACAGACTCAATCACCTTCCATCGGATCTC[G>A]TAACGTGGCTTCTGGAGGACCAACCCCAGGAATTAGTTATCAGAGGGAGTCTCAGGCCCT-3'
Protein context (NP_002600.1, residues 552-572): LIMLWQKKPR[Tyr562=]EIRWKVIESV

ClinVar aggregate classification (germline): Likely benign. Review status: criteria provided, multiple submitters, no conflicts (2 of 4 stars). 2 submissions from 2 submitters: Likely benign (2). Last evaluated 2022-11-01.

Allele frequency attached by ClinVar (database versions not stated): ExAC 0.00001; gnomAD exomes 0.00001 and 0.00002; TOPMed 0.00001; gnomAD 0.00002 and 0.00003; 1000 Genomes Project 30x 0.00016; 1000 Genomes Project 0.00020.
gnomAD v4.1: 30 of 1,613,930 alleles (0.0019%); highest among the groups gnomAD compares: South Asian, 0.0033%; 1 homozygote.

Submissions (2):

CeGaT Center for Human Genetics Tuebingen
Classification: Likely benign. Last evaluated: 2022-11-01. Review status: criteria provided, single submitter. Criteria: CeGaT Center For Human Genetics Tuebingen Variant Classification Criteria Version 2. Collection method: clinical testing. Allele origin: germline. Affected: yes. Observed: 1 variant allele.
Comment: PDGFRB: BP4, BP7

Labcorp Genetics (formerly Invitae), Labcorp
Classification: Likely benign. Last evaluated: 2018-04-16. Review status: criteria provided, single submitter. Criteria: Invitae Variant Classification Sherloc (09022015). Collection method: clinical testing. Allele origin: germline.